The following is an entry in ClinVar:

NM_007254.4(PNKP):c.1440T>G (p.Tyr480Ter)

Gene: PNKP (polynucleotide kinase 3'-phosphatase; minus strand). Cytogenetic location: 19q13.33.
Variant type: single nucleotide variant.
Coding change: c.1440T>G on transcript NM_007254.4 (MANE Select); coding-DNA position 1440, T replaced by G.
Protein change: p.Tyr480Ter; replaces tyrosine 480 with a stop codon.
Molecular consequence: nonsense.
Genome position (GRCh38, 1-based): chr19:49,861,457, A>C on the plus strand (T>G on the coding strand, the complement: PNKP is on the minus strand). VCF-style: chr19-49861457-A-C. GRCh37 (hg19) VCF-style: chr19-50364714-A-C.
Other names: short protein forms Y480*.
Identifiers: ClinVar variation 942530 (VCV000942530.1), dbSNP rs2074756863, ClinGen allele CA406932723.

ClinVar aggregate classification (germline): Pathogenic (1 of 4 stars; one submission).

Conditions:
Developmental and epileptic encephalopathy, 12 (DEE12). Identifiers: MedGen C3150988, MONDO:0013389, OMIM 613722.

gnomAD v4.1: 2 of 1,613,956 alleles (0.00012%); highest among the groups gnomAD compares: East Asian, 0.0022%; no homozygotes.

Submission:

Labcorp Genetics (formerly Invitae), Labcorp
Classification: Pathogenic for Early infantile epileptic encephalopathy 12. Last evaluated: 2019-09-24. Review status: criteria provided, single submitter. Criteria: Invitae Variant Classification Sherloc (09022015). Collection method: clinical testing. Allele origin: germline.
Comment: This sequence change results in a premature translational stop signal in the PNKP gene (p.Tyr480*). While this is not anticipated to result in nonsense mediated decay, it is expected to disrupt the last 42 amino acids of the PNKP protein. This variant is not present in population databases (ExAC no frequency). This variant has not been reported in the literature in individuals with PNKP-related conditions. Algorithms developed to predict the effect of sequence changes on RNA splicing suggest that this variant may create or strengthen a splice site, but this prediction has not been confirmed by published transcriptional studies. This variant disrupts the C-terminus of the PNKP protein. Other variant(s) that disrupt this region (c.1549C>T, p.Gln517*) have been determined to be pathogenic (PMID: 30039206). This suggests that variants that disrupt this region of the protein are likely to be causative of disease. For these reasons, this variant has been classified as Pathogenic.

Literature cited by the submitters: PubMed 30039206.